The following is an entry in ClinVar:

NM_001367624.2(ZNF469):c.8999T>C (p.Leu3000Pro)

Gene: ZNF469 (zinc finger protein 469; plus strand). Cytogenetic location: 16q24.2.
Variant type: single nucleotide variant.
Coding change: c.8999T>C on transcript NM_001367624.2 (MANE Select); coding-DNA position 8999, T replaced by C.
Protein change: p.Leu3000Pro; replaces leucine 3000 with proline.
Molecular consequence: missense variant.
Genome position (GRCh38, 1-based): chr16:88,436,469, T>C. VCF-style: chr16-88436469-T-C. GRCh37 (hg19) VCF-style: chr16-88502877-T-C.
Other names: NM_001127464.1:c.8915T>C; short protein forms L3000P.
Identifiers: ClinVar variation 3987392 (VCV003987392.1).
Genomic context (GRCh38, chr16:88,436,469, plus strand): 5'-AGGACGATCGGCCGGAGGCCATTCCTGAGCTGCACATGGTCCCAGCGGCTTGGCGAGGCC[T>C]GGAGATGCCGGCCCCTGCCGATGACTCCTCCTCTTCTCTCGGAGATGTGAGCCCCGAGCC-3'
Protein context (NP_001354553.1, residues 2990-3010): LHMVPAAWRG[Leu3000Pro]EMPAPADDSS

ClinVar aggregate classification (germline): Uncertain significance (1 of 4 stars; one submission).

Conditions:
Cardiovascular phenotype. Identifiers: MedGen CN230736.

gnomAD v4.1: 1 of 1,546,832 alleles (0.000065%); highest among the groups gnomAD compares: South Asian, 0.0012%; no homozygotes.

Submission:

Ambry Genetics
Classification: Uncertain significance for Cardiovascular phenotype. Last evaluated: 2025-06-10. Review status: criteria provided, single submitter. Criteria: Ambry Variant Classification Scheme 2023. Collection method: clinical testing. Allele origin: germline.
Comment: The p.L2972P variant (also known as c.8915T>C), located in coding exon 2 of the ZNF469 gene, results from a T to C substitution at nucleotide position 8915. The leucine at codon 2972 is replaced by proline, an amino acid with similar properties. This amino acid position is conserved. In addition, this alteration is predicted to be tolerated by in silico analysis. Based on the available evidence, the clinical significance of this variant remains unclear.